The following is an entry in ClinVar:

ClinVar aggregate classification (germline): Uncertain significance (1 of 4 stars; one submission).

Conditions:
Neuronopathy, distal hereditary motor, type 7A. Also called: Neuronopathy, distal hereditary motor, type viia; NEURONOPATHY, DISTAL HEREDITARY MOTOR, HARDING TYPE VIIA; NEUROPATHY, DISTAL HEREDITARY MOTOR, HARDING TYPE VIIA; Neuronopathy, distal hereditary motor, autosomal dominant 7; HARPER-YOUNG MYOPATHY; HMN VIIA. Identifiers: Orphanet 139589, MedGen C1834703, MONDO:0008024, OMIM 158580.
Congenital myasthenic syndrome 20. Also called: Myasthenic syndrome, congenital, 20, presynaptic. Identifiers: MedGen C4310694, MONDO:0014939, OMIM 617143.

Submission:

Labcorp Genetics (formerly Invitae), Labcorp
Classification: Uncertain significance for Neuronopathy, distal hereditary motor, type 7A; Congenital myasthenic syndrome 20. Last evaluated: 2024-03-15. Review status: criteria provided, single submitter. Criteria: Invitae Variant Classification Sherloc (09022015). Collection method: clinical testing. Allele origin: germline.
Comment: This sequence change replaces methionine, which is neutral and non-polar, with isoleucine, which is neutral and non-polar, at codon 139 of the SLC5A7 protein (p.Met139Ile). This variant is not present in population databases (gnomAD no frequency). This variant has not been reported in the literature in individuals affected with SLC5A7-related conditions. Advanced modeling of protein sequence and biophysical properties (such as structural, functional, and spatial information, amino acid conservation, physicochemical variation, residue mobility, and thermodynamic stability) performed at Invitae indicates that this missense variant is not expected to disrupt SLC5A7 protein function with a negative predictive value of 80%. In summary, the available evidence is currently insufficient to determine the role of this variant in disease. Therefore, it has been classified as a Variant of Uncertain Significance.

NM_021815.5(SLC5A7):c.417G>T (p.Met139Ile)

Gene: SLC5A7 (solute carrier family 5 member 7; plus strand). Cytogenetic location: 2q12.3.
Variant type: single nucleotide variant.
Coding change: c.417G>T on transcript NM_021815.5 (MANE Select); coding-DNA position 417, G replaced by T.
Protein change: p.Met139Ile; replaces methionine 139 with isoleucine.
Molecular consequence: missense variant. On other transcripts: 5 prime UTR variant (1).
Genome position (GRCh38, 1-based): chr2:107,993,096, G>T. VCF-style: chr2-107993096-G-T. GRCh37 (hg19) VCF-style: chr2-108609552-G-T.
Other names: c.417G>T, p.Met139Ile (NM_001305005.3); c.102G>T, p.Met34Ile (NM_001305006.3); c.-288G>T (NM_001305007.3); short protein forms M139I, M34I.
Identifiers: ClinVar variation 3763003 (VCV003763003.2).
Genomic context (GRCh38, chr2:107,993,096, plus strand): 5'-GCAAATCTATGGAAAACGCATGGGCGGACTCCTGTTTATTCCTGCACTGATGGGAGAAAT[G>T]TTCTGGGCTGCAGCAATTTTCTCTGCTTTGGGTAAGGACCAGCTAAGTTGTCTAGCTGCA-3'
Protein context (NP_068587.1, residues 129-149): LLFIPALMGE[Met139Ile]FWAAAIFSAL